The following is an entry in ClinVar:

NM_001035.3(RYR2):c.8302A>G (p.Lys2768Glu)

Gene: RYR2 (ryanodine receptor 2; plus strand). Cytogenetic location: 1q43.
Variant type: single nucleotide variant.
Coding change: c.8302A>G on transcript NM_001035.3 (MANE Select); coding-DNA position 8302, A replaced by G.
Protein change: p.Lys2768Glu; replaces lysine 2768 with glutamic acid.
Molecular consequence: missense variant.
Genome position (GRCh38, 1-based): chr1:237,660,813, A>G. VCF-style: chr1-237660813-A-G. GRCh37 (hg19) VCF-style: chr1-237824113-A-G.
Other names: short protein forms K2768E.
Identifiers: ClinVar variation 3070186 (VCV003070186.1), dbSNP rs2547119982, ClinGen allele CA345401731.

ClinVar aggregate classification (germline): Uncertain significance (1 of 4 stars; one submission).

Conditions:
Catecholaminergic polymorphic ventricular tachycardia (CVPT). Also called: Catecholamine-induced polymorphic ventricular tachycardia. Identifiers: Orphanet 3286, MedGen C5574922, MONDO:0017990.

Submission:

All of Us Research Program, National Institutes of Health
Classification: Uncertain significance for Catecholaminergic polymorphic ventricular tachycardia. Last evaluated: 2023-04-03. Review status: criteria provided, single submitter. Criteria: ACMG Guidelines, 2015. Collection method: clinical testing. Allele origin: germline. Inheritance: Autosomal dominant inheritance. Observed: 1 variant allele, 1 heterozygote.
Comment: This missense variant replaces lysine with glutamic acid at codon 2768 of the RYR2 protein. Computational prediction suggests that this variant may have deleterious impact on protein structure and function (internally defined REVEL score threshold >= 0.7, PMID: 27666373). To our knowledge, functional studies have not been reported for this variant. This variant has not been reported in individuals affected with RYR2-related disorders in the literature. This variant has not been identified in the general population by the Genome Aggregation Database (gnomAD). The available evidence is insufficient to determine the role of this variant in disease conclusively. Therefore, this variant is classified as a Variant of Uncertain Significance.

This study involves interpretation of variants in research participants for the purpose of population health screening. Participant phenotype was not available at the time of variant classification. Additional details can be found in publication PMID: 35346344, PMCID: PMC8962531